The following is an entry in ClinVar:

NM_182925.5(FLT4):c.2491C>T (p.Leu831=)

Genes: FLT4 (fms related receptor tyrosine kinase 4; minus strand), LOC126807632 (CDK7 strongly-dependent group 2 enhancer GRCh37_chr5:180046831-180048030; plus strand). Cytogenetic location: 5q35.3.
Variant type: single nucleotide variant.
Coding change: c.2491C>T on transcript NM_182925.5 (MANE Select); coding-DNA position 2491, C replaced by T.
Protein change: p.Leu831=; no amino-acid change (leucine 831 retained).
Molecular consequence: synonymous variant.
Genome position (GRCh38, 1-based): chr5:180,620,224, G>A on the plus strand (C>T on the coding strand, the complement: FLT4 is on the minus strand). VCF-style: chr5-180620224-G-A. GRCh37 (hg19) VCF-style: chr5-180047224-G-A.
Other names: c.2491C>T, p.Leu831= (NM_001354989.2, NM_002020.5).
Identifiers: ClinVar variation 2578991 (VCV002578991.25), dbSNP rs776853944, ClinGen allele CA3606320.

ClinVar aggregate classification (germline): Likely benign (1 of 4 stars; one submission).

Allele frequency attached by ClinVar (database versions not stated): ExAC 0.00001; TOPMed 0.00001.
gnomAD v4.1: 13 of 1,611,572 alleles (0.00081%); highest among the groups gnomAD compares: Non-Finnish European, 0.001%; no homozygotes.

Submission:

CeGaT Center for Human Genetics Tuebingen
Classification: Likely benign. Last evaluated: 2023-07-01. Review status: criteria provided, single submitter. Criteria: CeGaT Center For Human Genetics Tuebingen Variant Classification Criteria Version 2. Collection method: clinical testing. Allele origin: germline. Affected: yes. Observed: 1 variant allele.
Comment: FLT4: BP4, BP7